The following is an entry in ClinVar:

NM_001127198.5(TMC6):c.1990G>A (p.Ala664Thr)

Gene: TMC6 (transmembrane channel like 6; minus strand). Cytogenetic location: 17q25.3.
Variant type: single nucleotide variant.
Coding change: c.1990G>A on transcript NM_001127198.5 (MANE Select); coding-DNA position 1990, G replaced by A.
Protein change: p.Ala664Thr; replaces alanine 664 with threonine.
Molecular consequence: missense variant. On other transcripts: non-coding transcript variant (4).
Genome position (GRCh38, 1-based): chr17:78,117,833, C>T on the plus strand (G>A on the coding strand, the complement: TMC6 is on the minus strand). VCF-style: chr17-78117833-C-T. GRCh37 (hg19) VCF-style: chr17-76113914-C-T.
Other names: c.1990G>A, p.Ala664Thr (NM_001321185.1, NM_001374596.1, NM_001375353.1 and 2 more transcripts); c.1810G>A, p.Ala604Thr (NM_001374593.1, NM_001374594.1); short protein forms A664T, A604T.
Identifiers: ClinVar variation 2156044 (VCV002156044.2), dbSNP rs1043493457, ClinGen allele CA294343183.

ClinVar aggregate classification (germline): Uncertain significance (1 of 4 stars; one submission).

Conditions:
Epidermodysplasia verruciformis. Identifiers: Orphanet 302, MedGen C0014522, MONDO:0009176.

Allele frequency attached by ClinVar (database versions not stated): gnomAD 0.00001; TOPMed 0.00001.
gnomAD v4.1: 10 of 1,607,642 alleles (0.00062%); highest among the groups gnomAD compares: Admixed American, 0.0034%; no homozygotes.

Submission:

Labcorp Genetics (formerly Invitae), Labcorp
Classification: Uncertain significance for Epidermodysplasia verruciformis. Last evaluated: 2022-05-21. Review status: criteria provided, single submitter. Criteria: Invitae Variant Classification Sherloc (09022015). Collection method: clinical testing. Allele origin: germline.
Comment: In summary, the available evidence is currently insufficient to determine the role of this variant in disease. Therefore, it has been classified as a Variant of Uncertain Significance. Algorithms developed to predict the effect of missense changes on protein structure and function output the following: SIFT: "Not Available"; PolyPhen-2: "Benign"; Align-GVGD: "Not Available". The threonine amino acid residue is found in multiple mammalian species, which suggests that this missense change does not adversely affect protein function. This variant has not been reported in the literature in individuals affected with TMC6-related conditions. The frequency data for this variant in the population databases is considered unreliable, as metrics indicate poor data quality at this position in the gnomAD database. This sequence change replaces alanine, which is neutral and non-polar, with threonine, which is neutral and polar, at codon 664 of the TMC6 protein (p.Ala664Thr).